The following is an entry in ClinVar:

NM_015311.3(OBSL1):c.4784G>A (p.Arg1595Gln)

Gene: OBSL1 (obscurin like cytoskeletal adaptor 1; minus strand). Cytogenetic location: 2q35.
Variant type: single nucleotide variant.
Coding change: c.4784G>A on transcript NM_015311.3 (MANE Select); coding-DNA position 4784, G replaced by A.
Protein change: p.Arg1595Gln; replaces arginine 1595 with glutamine.
Molecular consequence: missense variant.
Genome position (GRCh38, 1-based): chr2:219,554,566, C>T on the plus strand (G>A on the coding strand, the complement: OBSL1 is on the minus strand). VCF-style: chr2-219554566-C-T. GRCh37 (hg19) VCF-style: chr2-220419288-C-T.
Other names: c.4784G>A (NM_015311.2); short protein forms R1595Q.
Identifiers: ClinVar variation 1020317 (VCV001020317.6), dbSNP rs780179113, ClinGen allele CA2130429.

ClinVar aggregate classification (germline): Conflicting classifications of pathogenicity. Review status: criteria provided, conflicting classifications (1 of 4 stars). 2 submissions from 2 submitters: Uncertain significance (1); Likely benign (1). Last evaluated 2022-12-01.

Conditions:
Inborn genetic diseases. Identifiers: MedGen C0950123, MeSH D030342.

Allele frequency attached by ClinVar (database versions not stated): ExAC 0.00001; gnomAD exomes 0.00001 and 0.00002; TOPMed 0.00006; gnomAD 0.00007.
gnomAD v4.1: 41 of 1,613,318 alleles (0.0025%); highest among the groups gnomAD compares: African/African-American, 0.0067%; no homozygotes.

Submissions (2):

Ambry Genetics
Classification: Likely benign for Inborn genetic diseases. Last evaluated: 2022-12-01. Review status: criteria provided, single submitter. Criteria: Ambry Variant Classification Scheme 2023. Collection method: clinical testing. Allele origin: germline.

Labcorp Genetics (formerly Invitae), Labcorp
Classification: Uncertain significance. Last evaluated: 2022-07-13. Review status: criteria provided, single submitter. Criteria: Invitae Variant Classification Sherloc (09022015). Collection method: clinical testing. Allele origin: germline.
Comment: This sequence change replaces arginine, which is basic and polar, with glutamine, which is neutral and polar, at codon 1595 of the OBSL1 protein (p.Arg1595Gln). This variant is present in population databases (rs780179113, gnomAD 0.008%). This variant has not been reported in the literature in individuals affected with OBSL1-related conditions. ClinVar contains an entry for this variant (Variation ID: 1020317). Algorithms developed to predict the effect of missense changes on protein structure and function output the following: SIFT: "Tolerated"; PolyPhen-2: "Benign"; Align-GVGD: "Class C0". The glutamine amino acid residue is found in multiple mammalian species, which suggests that this missense change does not adversely affect protein function. In summary, the available evidence is currently insufficient to determine the role of this variant in disease. Therefore, it has been classified as a Variant of Uncertain Significance.